The following is an entry in ClinVar:

NM_015895.5(GMNN):c.425C>A (p.Ala142Glu)

Gene: GMNN (geminin DNA replication inhibitor; plus strand). Cytogenetic location: 6p22.3.
Variant type: single nucleotide variant.
Coding change: c.425C>A on transcript NM_015895.5 (MANE Select); coding-DNA position 425, C replaced by A.
Protein change: p.Ala142Glu; replaces alanine 142 with glutamic acid.
Molecular consequence: missense variant.
Genome position (GRCh38, 1-based): chr6:24,784,511, C>A. VCF-style: chr6-24784511-C-A. GRCh37 (hg19) VCF-style: chr6-24784739-C-A.
Other names: c.425C>A, p.Ala142Glu (NM_001251989.2, NM_001251990.2, NM_001251991.1); short protein forms A142E.
Identifiers: ClinVar variation 4798729 (VCV004798729.1).

ClinVar aggregate classification (germline): Uncertain significance (1 of 4 stars; one submission).

gnomAD v4.1: 28 of 1,564,834 alleles (0.0018%); highest among the groups gnomAD compares: East Asian, 0.022%; no homozygotes.

Submission:

Labcorp Genetics (formerly Invitae), Labcorp
Classification: Uncertain significance. Last evaluated: 2025-11-18. Review status: criteria provided, single submitter. Criteria: Invitae Variant Classification Sherloc (09022015). Collection method: clinical testing. Allele origin: germline.
Comment: This sequence change replaces alanine, which is neutral and non-polar, with glutamic acid, which is acidic and polar, at codon 142 of the GMNN protein (p.Ala142Glu). This variant is present in population databases (rs201212043, gnomAD 0.02%). This variant has not been reported in the literature in individuals affected with GMNN-related conditions. An algorithm developed to predict the effect of missense changes on protein structure and function (PolyPhen-2) suggests that this variant is likely to be disruptive. In summary, the available evidence is currently insufficient to determine the role of this variant in disease. Therefore, it has been classified as a Variant of Uncertain Significance.